The following is an entry in ClinVar:

NM_001042492.3(NF1):c.413C>T (p.Ala138Val)

Gene: NF1 (neurofibromin 1; plus strand). Cytogenetic location: 17q11.2.
Variant type: single nucleotide variant.
Coding change: c.413C>T on transcript NM_001042492.3 (MANE Select); coding-DNA position 413, C replaced by T.
Protein change: p.Ala138Val; replaces alanine 138 with valine.
Molecular consequence: missense variant.
Genome position (GRCh38, 1-based): chr17:31,163,310, C>T. VCF-style: chr17-31163310-C-T. GRCh37 (hg19) VCF-style: chr17-29490328-C-T.
Other names: c.413C>T, p.Ala138Val (NM_000267.4, NM_001128147.3); short protein forms A138V.
Identifiers: ClinVar variation 824620 (VCV000824620.5), dbSNP rs1597635942, ClinGen allele CA398981898.

ClinVar aggregate classification (germline): Uncertain significance (1 of 4 stars; one submission).

Conditions:
Hereditary cancer-predisposing syndrome. Also called: Neoplastic Syndromes, Hereditary; Tumor predisposition; Hereditary neoplastic syndrome; Hereditary Cancer Syndrome. Identifiers: Orphanet 140162, MedGen C0027672, MeSH D009386, MONDO:0015356.
Cardiovascular phenotype. Identifiers: MedGen CN230736.

Submission:

Ambry Genetics
Classification: Uncertain significance for Cardiovascular phenotype; Hereditary cancer-predisposing syndrome. Last evaluated: 2025-12-10. Review status: criteria provided, single submitter. Criteria: Ambry Variant Classification Scheme 2023. Collection method: clinical testing. Allele origin: germline.
Comment: The p.A138V variant (also known as c.413C>T), located in coding exon 4 of the NF1 gene, results from a C to T substitution at nucleotide position 413. The alanine at codon 138 is replaced by valine, an amino acid with similar properties. This amino acid position is highly conserved in available vertebrate species. In addition, this alteration is predicted to be deleterious by in silico analysis. Based on the available evidence, the clinical significance of this variant remains unclear.